The following is an entry in ClinVar:

NM_000368.5(TSC1):c.363+5G>C

Gene: TSC1 (TSC complex subunit 1; minus strand). Cytogenetic location: 9q34.13.
Variant type: single nucleotide variant.
Coding change: c.363+5G>C on transcript NM_000368.5 (MANE Select); 5 bases into the intron after coding-DNA position 363, G replaced by C.
Molecular consequence: intron variant.
Genome position (GRCh38, 1-based): chr9:132,925,582, C>G on the plus strand (G>C on the coding strand, the complement: TSC1 is on the minus strand). VCF-style: chr9-132925582-C-G. GRCh37 (hg19) VCF-style: chr9-135800969-C-G.
Other names: c.-1+5G>C (NM_001362177.2); c.210+1619G>C (NM_001162427.2); c.363+5G>C (NM_001162426.2).
Identifiers: ClinVar variation 1511364 (VCV001511364.6), dbSNP rs118203374, ClinGen allele CA2573144214.

ClinVar aggregate classification (germline): Likely pathogenic (1 of 4 stars; one submission).

Conditions:
Tuberous sclerosis 1 (TSC1). Identifiers: Orphanet 805, MedGen C1854465, MONDO:0008612, OMIM 191100.

Submission:

Labcorp Genetics (formerly Invitae), Labcorp
Classification: Likely pathogenic for Tuberous sclerosis 1. Last evaluated: 2025-01-06. Review status: criteria provided, single submitter. Criteria: Invitae Variant Classification Sherloc (09022015). Collection method: clinical testing. Allele origin: germline.
Comment: This sequence change falls in intron 5 of the TSC1 gene. It does not directly change the encoded amino acid sequence of the TSC1 protein. It affects a nucleotide within the consensus splice site. This variant is not present in population databases (gnomAD no frequency). This variant has been observed in individuals with tuberous sclerosis complex (internal data). It has also been observed to segregate with disease in related individuals. ClinVar contains an entry for this variant (Variation ID: 1511364). Variants that disrupt the consensus splice site are a relatively common cause of aberrant splicing (PMID: 17576681, 9536098). Algorithms developed to predict the effect of sequence changes on RNA splicing suggest that this variant may disrupt the consensus splice site. In summary, the currently available evidence indicates that the variant is pathogenic, but additional data are needed to prove that conclusively. Therefore, this variant has been classified as Likely Pathogenic.

Literature cited by the submitters: PubMed 17576681; PubMed 9536098.